The following is an entry in ClinVar:

ClinVar aggregate classification (germline): Pathogenic (0 of 4 stars; one submission).

Conditions:
Protein S deficiency disease. Also called: Protein S deficiency. Identifiers: MedGen C0242666, MeSH D018455, MONDO:0002304.

Allele frequency attached by ClinVar (database versions not stated): gnomAD exomes below 0.00001.
gnomAD v4.1: 1 of 1,564,766 alleles (0.000064%); highest among the groups gnomAD compares: Non-Finnish European, 0.000087%; no homozygotes.

Submission:

ISTH-SSC Genomics in Thrombosis and Hemostasis, KU Leuven, Center for Molecular and Vascular Biology
Classification: Pathogenic for Protein S deficiency disease. Review status: no assertion criteria provided. Collection method: research. Allele origin: unknown. Affected: yes.
Comment: Submitted to GoldVariant by David Tregouet from INSERM U1219, Bordeaux, France

NM_000313.4(PROS1):c.-39C>T

Gene: PROS1 (protein S; minus strand). Cytogenetic location: 3q11.1.
Variant type: single nucleotide variant.
Coding change: c.-39C>T on transcript NM_000313.4 (MANE Select); 39 bases upstream of the start codon, C replaced by T.
Molecular consequence: 5 prime UTR variant.
Genome position (GRCh38, 1-based): chr3:93,973,788, G>A on the plus strand (C>T on the coding strand, the complement: PROS1 is on the minus strand). VCF-style: chr3-93973788-G-A. GRCh37 (hg19) VCF-style: chr3-93692632-G-A.
Other names: c.-39C>T (NM_001314077.2).
Identifiers: ClinVar variation 1684424 (VCV001684424.1), dbSNP rs2107279407, ClinGen allele CA2573137478.